The following is an entry in ClinVar:

NM_181523.3(PIK3R1):c.730T>A (p.Leu244Ile)

Gene: PIK3R1 (phosphoinositide-3-kinase regulatory subunit 1; plus strand). Cytogenetic location: 5q13.1.
Variant type: single nucleotide variant.
Coding change: c.730T>A on transcript NM_181523.3 (MANE Select); coding-DNA position 730, T replaced by A.
Protein change: p.Leu244Ile; replaces leucine 244 with isoleucine.
Molecular consequence: missense variant.
Genome position (GRCh38, 1-based): chr5:68,280,623, T>A. VCF-style: chr5-68280623-T-A. GRCh37 (hg19) VCF-style: chr5-67576451-T-A.
Other names: short protein forms L244I.
Identifiers: ClinVar variation 4784560 (VCV004784560.1).

ClinVar aggregate classification (germline): Uncertain significance (1 of 4 stars; one submission).

Conditions:
Agammaglobulinemia 7, autosomal recessive (AGM7). Also called: AGAMMAGLOBULINEMIA, AUTOSOMAL RECESSIVE, DUE TO PIK3R1 DEFECT. Identifiers: MedGen C3554689, MONDO:0014083, OMIM 615214.
SHORT syndrome. Also called: SHORT STATURE, HYPEREXTENSIBILITY, HERNIA, OCULAR DEPRESSION, RIEGER ANOMALY, AND TEETHING DELAY; LIPODYSTROPHY, PARTIAL, WITH RIEGER ANOMALY AND SHORT STATURE; PIK3R1-Related SHORT Syndrome. Identifiers: Orphanet 3163, MedGen C0878684, MONDO:0010026, OMIM 269880.
Immunodeficiency 36 with lymphoproliferation. Also called: Immunodeficiency 36; Activated PI3K Delta Syndrome Type 2 (APDS2); ACTIVATED PI3K-DELTA SYNDROME 2. Identifiers: Orphanet 397596, Orphanet 693681, MedGen C4014934, MONDO:0014453, OMIM 616005.

Submission:

Labcorp Genetics (formerly Invitae), Labcorp
Classification: Uncertain significance for SHORT syndrome; Immunodeficiency 36 with lymphoproliferation; Agammaglobulinemia 7, autosomal recessive. Last evaluated: 2026-01-26. Review status: criteria provided, single submitter. Criteria: Invitae Variant Classification Sherloc (09022015). Collection method: clinical testing. Allele origin: germline.
Comment: This sequence change replaces leucine, which is neutral and non-polar, with isoleucine, which is neutral and non-polar, at codon 244 of the PIK3R1 protein (p.Leu244Ile). This variant is not present in population databases (gnomAD no frequency). This variant has not been reported in the literature in individuals affected with PIK3R1-related conditions. An algorithm developed to predict the effect of missense changes on protein structure and function (PolyPhen-2) suggests that this variant is likely to be tolerated. In summary, the available evidence is currently insufficient to determine the role of this variant in disease. Therefore, it has been classified as a Variant of Uncertain Significance.